The following is an entry in ClinVar:

NM_000256.3(MYBPC3):c.2040dup (p.Val681fs)

Gene: MYBPC3 (myosin binding protein C3; minus strand). Cytogenetic location: 11p11.2.
Variant type: Duplication.
Coding change: c.2040dup on transcript NM_000256.3 (MANE Select); coding-DNA position 2040, one base duplicated (T; older notation c.2040dupT).
Protein change: p.Val681fs; shifts the reading frame from valine 681.
Molecular consequence: frameshift variant.
Genome position (GRCh38, 1-based): chr11:47,339,678, A duplicated on the plus strand (T on the coding strand, the reverse complement: MYBPC3 is on the minus strand). VCF-style (leftmost placement, unchanged base first): chr11-47339677-C-CA. GRCh37 (hg19) VCF-style: chr11-47361228-C-CA.
Other names: NM_000256.3:c.2040dupT; p.Val681CysfsX12; c.2040_2041insT (NM_000256.3); short protein forms V681fs.
Identifiers: ClinVar variation 42593 (VCV000042593.9), dbSNP rs397515944, ClinGen allele CA011684.

ClinVar aggregate classification (germline): Pathogenic. Review status: criteria provided, multiple submitters, no conflicts (2 of 4 stars). 4 submissions from 4 submitters: Pathogenic (4). Last evaluated 2025-03-24.

Conditions:
Cardiomyopathy (CMYO). Also called: Cardiomyopathies. Identifiers: Orphanet 167848, MedGen C0878544, MONDO:0004994, HP:0001638. Inheritance: Various modes of inheritance.
Hypertrophic cardiomyopathy 4. Also called: Familial hypertrophic cardiomyopathy 4. Identifiers: MedGen C1861862, MONDO:0007268, OMIM 115197.
Hypertrophic cardiomyopathy. Also called: HYPERTROPHIC MYOCARDIOPATHY. Identifiers: Orphanet 217569, MedGen C0007194, MeSH D002312, MONDO:0005045, HP:0001639.

Submissions (4):

Labcorp Genetics (formerly Invitae), Labcorp
Classification: Pathogenic for Hypertrophic cardiomyopathy. Last evaluated: 2025-03-24. Review status: criteria provided, single submitter. Criteria: Invitae Variant Classification Sherloc (09022015). Collection method: clinical testing. Allele origin: germline.
Comment: This sequence change creates a premature translational stop signal (p.Val681Cysfs*12) in the MYBPC3 gene. It is expected to result in an absent or disrupted protein product. Loss-of-function variants in MYBPC3 are known to be pathogenic (PMID: 19574547). This variant is not present in population databases (gnomAD no frequency). This premature translational stop signal has been observed in individual(s) with MYBPC3-related conditions (PMID: 25611685, 27532257, 37652022). ClinVar contains an entry for this variant (Variation ID: 42593). For these reasons, this variant has been classified as Pathogenic.

Human Genetics Bochum, Ruhr University Bochum
Classification: Pathogenic for Hypertrophic cardiomyopathy 4. Last evaluated: 2024-08-29. Review status: criteria provided, single submitter. Criteria: ACMG Guidelines, 2015. Collection method: clinical testing. Allele origin: germline. Affected: yes.
Comment: ACMG criteria used to clasify this variant: PVS1, PM2_SUP_MOD

CHEO Genetics Diagnostic Laboratory, Children's Hospital of Eastern Ontario
Classification: Pathogenic for Cardiomyopathy. Last evaluated: 2020-06-12. Review status: criteria provided, single submitter. Criteria: ACMG Guidelines, 2015. Collection method: clinical testing. Allele origin: germline.

Laboratory for Molecular Medicine, Mass General Brigham Personalized Medicine
Classification: Pathogenic for Hypertrophic cardiomyopathy. Last evaluated: 2017-08-31. Review status: criteria provided, single submitter. Criteria: LMM Criteria. Collection method: clinical testing. Allele origin: germline. Observed: 2 variant alleles.
Comment: proposed classification - variant undergoing re-assessment, contact laboratory

Literature cited by the submitters: PubMed 19574547 (cited by Labcorp Genetics (formerly Invitae), Labcorp); PubMed 25611685 (cited by 3 submitters); PubMed 27532257 (cited by Labcorp Genetics (formerly Invitae), Labcorp); PubMed 37652022 (cited by Labcorp Genetics (formerly Invitae), Labcorp).